The following is an entry in ClinVar:

NM_014363.6(SACS):c.7914dup (p.Ile2639fs)

Gene: SACS (sacsin molecular chaperone; minus strand). Cytogenetic location: 13q12.12.
Variant type: Duplication.
Coding change: c.7914dup on transcript NM_014363.6 (MANE Select); coding-DNA position 7914, one base duplicated (T; older notation c.7914dupT).
Protein change: p.Ile2639fs; shifts the reading frame from isoleucine 2639.
Molecular consequence: frameshift variant.
Genome position (GRCh38, 1-based): chr13:23,335,962, A duplicated on the plus strand (T on the coding strand, the reverse complement: SACS is on the minus strand); the first of 4 consecutive A bases (chr13:23,335,962-23,335,965); duplicating any one gives the same sequence. VCF-style (leftmost placement, unchanged base first): chr13-23335961-T-TA. GRCh37 (hg19) VCF-style: chr13-23910100-T-TA.
Other names: c.7473dup, p.Ile2492fs (NM_001278055.2); c.7941dup, p.Ile2648fs (NM_001437336.1); short protein forms I2648fs, I2492fs, I2639fs.
Identifiers: ClinVar variation 4752045 (VCV004752045.1).

ClinVar aggregate classification (germline): Pathogenic (1 of 4 stars; one submission).

Conditions:
Spastic paraplegia. Identifiers: MedGen C0037772, HP:0001258.

Submission:

Labcorp Genetics (formerly Invitae), Labcorp
Classification: Pathogenic for Spastic paraplegia. Last evaluated: 2025-10-09. Review status: criteria provided, single submitter. Criteria: Invitae Variant Classification Sherloc (09022015). Collection method: clinical testing. Allele origin: germline.
Comment: This sequence change creates a premature translational stop signal (p.Ile2639Tyrfs*5) in the SACS gene. While this is not anticipated to result in nonsense mediated decay, it is expected to disrupt the last 1941 amino acid(s) of the SACS protein. This variant is not present in population databases (gnomAD no frequency). This variant has not been reported in the literature in individuals affected with SACS-related conditions. This variant disrupts a region of the SACS protein in which other variant(s) (p.Asn4549Asp) have been determined to be pathogenic (PMID: 15156359, 21507954). This suggests that this is a clinically significant region of the protein, and that variants that disrupt it are likely to be disease-causing. For these reasons, this variant has been classified as Pathogenic.

Literature cited by the submitters: PubMed 15156359; PubMed 21507954.